The following is an entry in ClinVar:

ClinVar aggregate classification (germline): Conflicting classifications of pathogenicity. Review status: criteria provided, conflicting classifications (1 of 4 stars). 3 submissions from 3 submitters: Uncertain significance (1); Likely benign (2). Last evaluated 2025-12-23.

Conditions:
Inborn genetic diseases. Identifiers: MedGen C0950123, MeSH D030342.

Allele frequency attached by ClinVar (database versions not stated): TOPMed 0.00005; ExAC 0.00006; gnomAD exomes 0.00007; ESP Exome Variant Server 0.00016.
gnomAD v4.1: 44 of 1,611,404 alleles (0.0027%); highest among the groups gnomAD compares: Admixed American, 0.02%; no homozygotes.

Submissions (3):

Labcorp Genetics (formerly Invitae), Labcorp
Classification: Likely benign. Last evaluated: 2025-12-23. Review status: criteria provided, single submitter. Criteria: Invitae Variant Classification Sherloc (09022015). Collection method: clinical testing. Allele origin: germline.

GeneDx
Classification: Uncertain significance. Last evaluated: 2025-12-03. Review status: criteria provided, single submitter. Criteria: GeneDx Variant Classification Process June 2021. Collection method: clinical testing. Allele origin: germline. Affected: yes.
Comment: In silico analysis suggests that this missense variant does not alter protein structure/function; Has not been previously published as pathogenic or benign to our knowledge

Ambry Genetics
Classification: Likely benign for Inborn genetic diseases. Last evaluated: 2024-03-15. Review status: criteria provided, single submitter. Criteria: Ambry Variant Classification Scheme 2023. Collection method: clinical testing. Allele origin: germline.

NM_032119.4(ADGRV1):c.11339G>A (p.Arg3780His)

Gene: ADGRV1 (adhesion G protein-coupled receptor V1; plus strand). Cytogenetic location: 5q14.3.
Variant type: single nucleotide variant.
Coding change: c.11339G>A on transcript NM_032119.4 (MANE Select); coding-DNA position 11339, G replaced by A.
Protein change: p.Arg3780His; replaces arginine 3780 with histidine.
Molecular consequence: missense variant. On other transcripts: non-coding transcript variant (1).
Genome position (GRCh38, 1-based): chr5:90,753,791, G>A. VCF-style: chr5-90753791-G-A. GRCh37 (hg19) VCF-style: chr5-90049608-G-A.
Other names: short protein forms R3780H.
Identifiers: ClinVar variation 942174 (VCV000942174.13), dbSNP rs375613551, ClinGen allele CA3340945.